The following is an entry in ClinVar:

NM_000384.3(APOB):c.8299C>A (p.Pro2767Thr)

Gene: APOB (apolipoprotein B; minus strand). Cytogenetic location: 2p24.1.
Variant type: single nucleotide variant.
Coding change: c.8299C>A on transcript NM_000384.3 (MANE Select); coding-DNA position 8299, C replaced by A.
Protein change: p.Pro2767Thr; replaces proline 2767 with threonine.
Molecular consequence: missense variant.
Genome position (GRCh38, 1-based): chr2:21,008,569, G>T on the plus strand (C>A on the coding strand, the complement: APOB is on the minus strand). VCF-style: chr2-21008569-G-T. GRCh37 (hg19) VCF-style: chr2-21231441-G-T.
Other names: short protein forms P2767T.
Identifiers: ClinVar variation 1762783 (VCV001762783.2), dbSNP rs138465008, ClinGen allele CA345994670.
Genomic context (GRCh38, chr2:21,008,569, plus strand): 5'-CTTCGTTTGCTGAGGTGGTTCCATTCCCTATGTCAGCATTTGCATCTAATGTGAAAAGAG[G>T]AGATTGGATTTTCAGAATACTGTATAGCTTGCCAAAAGTAGGTACTTCAATTGTGTGTGA-3'
Protein context (NP_000375.3, residues 2757-2777): KLYSILKIQS[Pro2767Thr]LFTLDANADI

ClinVar aggregate classification (germline): Uncertain significance (1 of 4 stars; one submission).

Conditions:
Cardiovascular phenotype. Identifiers: MedGen CN230736.

Submission:

Ambry Genetics
Classification: Uncertain significance for Cardiovascular phenotype. Last evaluated: 2022-05-30. Review status: criteria provided, single submitter. Criteria: Ambry Variant Classification Scheme 2023. Collection method: clinical testing. Allele origin: germline.
Comment: The p.P2767T variant (also known as c.8299C>A), located in coding exon 26 of the APOB gene, results from a C to A substitution at nucleotide position 8299. The proline at codon 2767 is replaced by threonine, an amino acid with highly similar properties. This amino acid position is conserved. In addition, the in silico prediction for this alteration is inconclusive. Since supporting evidence is limited at this time, the clinical significance of this alteration remains unclear.